The following is an entry in ClinVar:

NM_033026.6(PCLO):c.2413A>C (p.Ser805Arg)

Gene: PCLO (piccolo presynaptic cytomatrix protein; minus strand). Cytogenetic location: 7q21.11.
Variant type: single nucleotide variant.
Coding change: c.2413A>C on transcript NM_033026.6 (MANE Select); coding-DNA position 2413, A replaced by C.
Protein change: p.Ser805Arg; replaces serine 805 with arginine.
Molecular consequence: missense variant.
Genome position (GRCh38, 1-based): chr7:83,135,137, T>G on the plus strand (A>C on the coding strand, the complement: PCLO is on the minus strand). VCF-style: chr7-83135137-T-G. GRCh37 (hg19) VCF-style: chr7-82764453-T-G.
Other names: c.2413A>C, p.Ser805Arg (NM_014510.3); short protein forms S805R.
Identifiers: ClinVar variation 2104108 (VCV002104108.4), dbSNP rs199999321, ClinGen allele CA4321266.

ClinVar aggregate classification (germline): Uncertain significance (1 of 4 stars; one submission).

Allele frequency attached by ClinVar (database versions not stated): ExAC 0.00002; gnomAD 0.00002; gnomAD exomes 0.00003; 1000 Genomes Project 30x 0.00031; 1000 Genomes Project 0.00040.
gnomAD v4.1: 23 of 1,613,974 alleles (0.0014%); highest among the groups gnomAD compares: East Asian, 0.051%; no homozygotes.

Submission:

Labcorp Genetics (formerly Invitae), Labcorp
Classification: Uncertain significance. Last evaluated: 2022-02-27. Review status: criteria provided, single submitter. Criteria: Invitae Variant Classification Sherloc (09022015). Collection method: clinical testing. Allele origin: germline.
Comment: In summary, the available evidence is currently insufficient to determine the role of this variant in disease. Therefore, it has been classified as a Variant of Uncertain Significance. Algorithms developed to predict the effect of missense changes on protein structure and function are either unavailable or do not agree on the potential impact of this missense change (SIFT: "Tolerated"; PolyPhen-2: "Not Available"; Align-GVGD: "Class C0"). This variant has not been reported in the literature in individuals affected with PCLO-related conditions. This variant is present in population databases (rs199999321, gnomAD 0.02%). This sequence change replaces serine, which is neutral and polar, with arginine, which is basic and polar, at codon 805 of the PCLO protein (p.Ser805Arg).